The following is an entry in ClinVar:

NM_001354712.2(THRB):c.1020G>C (p.Gln340His)

Gene: THRB (thyroid hormone receptor beta; minus strand). Cytogenetic location: 3p24.2.
Variant type: single nucleotide variant.
Coding change: c.1020G>C on transcript NM_001354712.2 (MANE Select); coding-DNA position 1020, G replaced by C.
Protein change: p.Gln340His; replaces glutamine 340 with histidine.
Molecular consequence: missense variant.
Genome position (GRCh38, 1-based): chr3:24,127,623, C>G on the plus strand (G>C on the coding strand, the complement: THRB is on the minus strand). VCF-style: chr3-24127623-C-G. GRCh37 (hg19) VCF-style: chr3-24169114-C-G.
Other names: c.1020G>C, p.Gln340His (NM_000461.5, NM_001128176.3, NM_001128177.2 and 6 more transcripts); c.927G>C, p.Gln309His (NM_001354714.2, NM_001354715.2); short protein forms Q340H, Q309H.
Identifiers: ClinVar variation 12536 (VCV000012536.3), dbSNP rs121918688, ClinGen allele CA122454.

ClinVar aggregate classification (germline): Pathogenic. Review status: criteria provided, single submitter (1 of 4 stars). 2 submissions from 2 submitters: Pathogenic (1). 1 of the submissions does not count toward it. Last evaluated 2024-12-04.

Conditions:
Thyroid hormone resistance, generalized, autosomal dominant (GRTHD). Also called: HYPERTHYROXINEMIA, FAMILIAL EUTHYROID, SECONDARY TO PITUITARY AND PERIPHERAL RESISTANCE TO THYROID HORMONES. Identifiers: MedGen C2937288, MONDO:0008569, OMIM 188570.

Submissions (2):

Women's Health and Genetics/Laboratory Corporation of America, LabCorp
Classification: Pathogenic for Thyroid hormone resistance, generalized, autosomal dominant. Last evaluated: 2024-12-04. Review status: criteria provided, single submitter. Criteria: LabCorp Variant Classification Summary - May 2015. Collection method: clinical testing. Allele origin: germline.
Comment: Variant summary: THRB c.1020G>C (p.Gln340His) results in a non-conservative amino acid change located in the Nuclear receptor ligand-binding domain (IPR035500) of the encoded protein sequence. Four of five in-silico tools predict a damaging effect of the variant on protein function. The variant was absent in 251472 control chromosomes. c.1020G>C has been reported in the literature in multiple heterozygous individuals affected with Generalized Thyroid Hormone Resistance from one family showing segregation with disease and autosomal dominant inheritance (e.g. Usala_1991). These data indicate that the variant is very likely to be associated with disease. To our knowledge, no experimental evidence demonstrating an impact on protein function has been reported. The following publication has been ascertained in the context of this evaluation (PMID: 1846005). ClinVar contains an entry for this variant (Variation ID: 12536). Based on the evidence outlined above, the variant was classified as pathogenic.

OMIM
Classification: Pathogenic for THYROID HORMONE RESISTANCE, GENERALIZED, AUTOSOMAL DOMINANT. Last evaluated: 1994-05-01. Review status: no assertion criteria provided. Collection method: literature only. Allele origin: germline. Not counted in ClinVar's aggregate classification.

Literature cited by the submitters: PubMed 1846005 (cited by Women's Health and Genetics/Laboratory Corporation of America, LabCorp and OMIM); PubMed 8013151 (cited by OMIM).